The following is an entry in ClinVar:

NM_000760.4(CSF3R):c.1864+1G>A

Gene: CSF3R (colony stimulating factor 3 receptor; minus strand). Cytogenetic location: 1p34.3.
Variant type: single nucleotide variant.
Coding change: c.1864+1G>A on transcript NM_000760.4 (MANE Select); the canonical splice donor site of the intron after coding-DNA position 1864, G replaced by A.
Molecular consequence: splice donor variant.
Genome position (GRCh38, 1-based): chr1:36,467,821, C>T on the plus strand (G>A on the coding strand, the complement: CSF3R is on the minus strand). VCF-style: chr1-36467821-C-T. GRCh37 (hg19) VCF-style: chr1-36933422-C-T.
Other names: c.1864+1G>A (NM_156039.3, NM_172313.3, NM_000760.3).
Identifiers: ClinVar variation 5010245 (VCV005010245.1).

ClinVar aggregate classification (germline): Likely pathogenic (1 of 4 stars; one submission).

Submission:

Genetic Services Laboratory, University of Chicago
Classification: Likely pathogenic. Last evaluated: 2025-05-14. Review status: criteria provided, single submitter. Criteria: ACMG Guidelines, 2015. Collection method: clinical testing. Allele origin: germline.
Comment: The c.1864+1G>A variant: Is located in the canonical splice donor site in intron 14. Does not appear to have been previously described in individuals with CSF3R-related disorders. Has not been described in population databases such as gnomAD v4. Is predicted to have a likely impact on normal splicing of the CSF3R gene, which would result in an abnormal protein, however functional studies have not been performed to prove this conclusively. Loss-of-function variants in CSF3R have been reported in patients with neutropenia (PMID: 24753537, 26324699). Collectively, this evidence indicates that this variant is likely pathogenic.